The following is an entry in ClinVar:

ClinVar aggregate classification (germline): Pathogenic (1 of 4 stars; one submission).

Submission:

GeneDx
Classification: Pathogenic. Last evaluated: 2023-09-11. Review status: criteria provided, single submitter. Criteria: GeneDx Variant Classification Process June 2021. Collection method: clinical testing. Allele origin: germline. Affected: yes.
Comment: Frameshift variant predicted to result in protein truncation or nonsense mediated decay in a gene for which loss of function is a known mechanism of disease; Not observed at significant frequency in large population cohorts (gnomAD); This variant is associated with the following publications: (PMID: 35032046)

NM_016628.5(WAC):c.1255_1256del (p.Leu419fs)

Gene: WAC (WW domain containing adaptor with coiled-coil; plus strand). Cytogenetic location: 10p12.1.
Variant type: Microsatellite.
Coding change: c.1255_1256del on transcript NM_016628.5 (MANE Select); coding-DNA positions 1255 to 1256, 2 bases deleted (CT; older notation c.1255_1256delCT).
Protein change: p.Leu419fs; shifts the reading frame from leucine 419.
Molecular consequence: frameshift variant.
Genome position (GRCh38, 1-based): chr10:28,610,788-28,610,789, CT deleted; deleting any 2 consecutive bases within chr10:28,610,785-28,610,789 gives the same sequence; the c. name uses the placement nearest the transcript's 3' end. VCF-style (leftmost placement, unchanged base first): chr10-28610784-GTC-G. GRCh37 (hg19) VCF-style: chr10-28899713-GTC-G.
Other names: c.1120_1121del, p.Leu374fs (NM_100264.3); c.946_947del, p.Leu316fs (NM_100486.4); short protein forms L316fs, L374fs, L419fs.
Identifiers: ClinVar variation 3342730 (VCV003342730.1).